The following is an entry in ClinVar:

ClinVar aggregate classification (germline): Likely benign (1 of 4 stars; one submission).

Conditions:
Progressive sclerosing poliodystrophy (MTDPS4A). Also called: Alpers-Huttenlocher Syndrome (AHS); Alpers Syndrome; ALPERS PROGRESSIVE INFANTILE POLIODYSTROPHY; Mitochondrial DNA depletion syndrome 4A (Alpers type); ALPERS DIFFUSE DEGENERATION OF CEREBRAL GRAY MATTER WITH HEPATIC CIRRHOSIS; Alpers-Huttenlocher Syndrome. Identifiers: Orphanet 726, MedGen C0205710, MONDO:0008758, OMIM 203700.

Allele frequency attached by ClinVar (database versions not stated): gnomAD exomes below 0.00001; TOPMed below 0.00001.
gnomAD v4.1: 3 of 1,608,426 alleles (0.00019%); highest among the groups gnomAD compares: Non-Finnish European, 0.00026%; no homozygotes.

Submission:

Wong Mito Lab, Molecular and Human Genetics, Baylor College of Medicine
Classification: Likely benign for Progressive sclerosing poliodystrophy. Last evaluated: 2018-10-01. Review status: criteria provided, single submitter. Criteria: ACMG Guidelines, 2015. Collection method: clinical testing. Allele origin: germline.
Comment: The NM_002693.2:c.1250+12C>T (NP_002684.1:p.=) [GRCH38: NC_000015.10:g.89328444G>A] variant in POLG gene is interpretated to be a Likely Benign based on ACMG guidelines (PMID: 25741868). This variant meets the following evidence codes reported in the ACMG-guideline. BP4:Computational evidence/predictors indicate no impact on the POLG structure, function, or protein-protein interaction. BP6:Reputable source(s) without shared data suggest the variant is benign. Based on the evidence criteria codes applied, the variant is suggested to be Likely Benign.

NM_002693.3(POLG):c.1250+12C>T

Gene: POLG (DNA polymerase gamma, catalytic subunit; minus strand). Cytogenetic location: 15q26.1.
Variant type: single nucleotide variant.
Coding change: c.1250+12C>T on transcript NM_002693.3 (MANE Select); 12 bases into the intron after coding-DNA position 1250, C replaced by T.
Molecular consequence: intron variant.
Genome position (GRCh38, 1-based): chr15:89,328,444, G>A on the plus strand (C>T on the coding strand, the complement: POLG is on the minus strand). VCF-style: chr15-89328444-G-A. GRCh37 (hg19) VCF-style: chr15-89871675-G-A.
Other names: c.1250+12C>T (NM_001126131.2).
Identifiers: ClinVar variation 619353 (VCV000619353.1), dbSNP rs985160740, ClinGen allele CA10602184.